The following is an entry in ClinVar:

ClinVar aggregate classification (germline): Uncertain significance (1 of 4 stars; one submission).

gnomAD v4.1: 1 of 1,157,904 alleles (0.000086%); no homozygotes.

Submission:

Labcorp Genetics (formerly Invitae), Labcorp
Classification: Uncertain significance. Last evaluated: 2025-04-26. Review status: criteria provided, single submitter. Criteria: Invitae Variant Classification Sherloc (09022015). Collection method: clinical testing. Allele origin: germline.
Comment: This sequence change replaces isoleucine, which is neutral and non-polar, with valine, which is neutral and non-polar, at codon 420 of the CHM protein (p.Ile420Val). This variant is present in population databases (no rsID available, gnomAD 0.04%). This variant has not been reported in the literature in individuals affected with CHM-related conditions. Invitae Evidence Modeling of protein sequence and biophysical properties (such as structural, functional, and spatial information, amino acid conservation, physicochemical variation, residue mobility, and thermodynamic stability) indicates that this missense variant is not expected to disrupt CHM protein function with a negative predictive value of 80%. In summary, the available evidence is currently insufficient to determine the role of this variant in disease. Therefore, it has been classified as a Variant of Uncertain Significance.

NM_000390.4(CHM):c.1258A>G (p.Ile420Val)

Gene: CHM (CHM Rab escort protein; minus strand). Cytogenetic location: Xq21.2.
Variant type: single nucleotide variant.
Coding change: c.1258A>G on transcript NM_000390.4 (MANE Select); coding-DNA position 1258, A replaced by G.
Protein change: p.Ile420Val; replaces isoleucine 420 with valine.
Molecular consequence: missense variant.
Genome position (GRCh38, 1-based): chrX:85,901,175, T>C on the plus strand (A>G on the coding strand, the complement: CHM is on the minus strand). VCF-style: chrX-85901175-T-C. GRCh37 (hg19) VCF-style: chrX-85156180-T-C.
Other names: c.814A>G, p.Ile272Val (NM_001320959.1, NM_001362517.1, NM_001362518.2 and 1 more transcripts); short protein forms I272V, I420V.
Identifiers: ClinVar variation 4697505 (VCV004697505.1).
Genomic context (GRCh38, chrX:85,901,175, plus strand): 5'-GAAAGTAACTGTCCTCCACGAGGAAATGCTCAGAGATTATTCTCTGACCAAACTGATCTA[T>C]AATTGCTTTACATCTATAAAGAAGATAAGCATACCATAAAAGTTCATATTAATGATTAAA-3'
Protein context (NP_000381.1, residues 410-430): DKESRKCKAI[Ile420Val]DQFGQRIISE